The following is an entry in ClinVar:

NM_002890.3(RASA1):c.1464del (p.Lys488fs)

Genes: CCNH (cyclin H; minus strand), RASA1 (RAS p21 protein activator 1; plus strand). Cytogenetic location: 5q14.3.
Variant type: Deletion.
Coding change: c.1464del on transcript NM_002890.3 (MANE Select); coding-DNA position 1464, one base deleted (A; older notation c.1464delA).
Protein change: p.Lys488fs; shifts the reading frame from lysine 488.
Molecular consequence: frameshift variant. On other transcripts: intron variant (1).
Genome position (GRCh38, 1-based): chr5:87,363,358, A deleted; the last of 4 consecutive A bases (chr5:87,363,355-87,363,358); deleting any one gives the same sequence. VCF-style (leftmost placement, unchanged base first): chr5-87363354-GA-G. GRCh37 (hg19) VCF-style: chr5-86659171-GA-G.
Other names: c.933del, p.Lys311fs (NM_022650.3); c.933+31689del (NM_001364075.2); short protein forms K311fs, K488fs.
Identifiers: ClinVar variation 3723588 (VCV003723588.2).
Genomic context (GRCh38, chr5:87,363,354, plus strand): 5'-TGTAGGATTTCACAATTGTTTGGCTAAGAGAAAACAATTTTTTTTTTTAAACAGGCAAAG[GA>G]AAACGTTGGAAAAATTTATATTTTATCTTAGAGGGTAGTGATGCCCAACTTATTTATTTT-3'

ClinVar aggregate classification (germline): Pathogenic (1 of 4 stars; one submission).

Conditions:
Capillary malformation-arteriovenous malformation syndrome. Also called: Capillary malformation-arteriovenous malformation. Identifiers: Orphanet 137667, MedGen C1842180, MONDO:0012016.

Submission:

Labcorp Genetics (formerly Invitae), Labcorp
Classification: Pathogenic for Capillary malformation-arteriovenous malformation syndrome. Last evaluated: 2024-10-23. Review status: criteria provided, single submitter. Criteria: Invitae Variant Classification Sherloc (09022015). Collection method: clinical testing. Allele origin: germline.
Comment: This sequence change creates a premature translational stop signal (p.Lys488Asnfs*10) in the RASA1 gene. It is expected to result in an absent or disrupted protein product. Loss-of-function variants in RASA1 are known to be pathogenic (PMID: 24038909). This variant is not present in population databases (gnomAD no frequency). This variant has not been reported in the literature in individuals affected with RASA1-related conditions. For these reasons, this variant has been classified as Pathogenic.

Literature cited by the submitters: PubMed 24038909.